The following is an entry in ClinVar:

NM_000321.3(RB1):c.1A>G (p.Met1Val)

Gene: RB1 (RB transcriptional corepressor 1; plus strand). Cytogenetic location: 13q14.2.
Variant type: single nucleotide variant.
Coding change: c.1A>G on transcript NM_000321.3 (MANE Select); coding-DNA position 1, A replaced by G.
Protein change: p.Met1Val; changes the start codon (methionine 1).
Molecular consequence: missense variant, initiator codon variant.
Genome position (GRCh38, 1-based): chr13:48,303,913, A>G. VCF-style: chr13-48303913-A-G. GRCh37 (hg19) VCF-style: chr13-48878049-A-G.
Other names: c.1A>G, p.Met1Val (NM_001407165.1, NM_001407166.1, NM_001407167.1); short protein forms M1V.
Identifiers: ClinVar variation 3787240 (VCV003787240.3).

ClinVar aggregate classification (germline): Likely pathogenic. Review status: criteria provided, multiple submitters, no conflicts (2 of 4 stars). 3 submissions from 3 submitters: Likely pathogenic (3). Last evaluated 2025-07-29.

Conditions:
Hereditary cancer-predisposing syndrome. Also called: Neoplastic Syndromes, Hereditary; Hereditary Cancer Syndrome; Tumor predisposition; Hereditary neoplastic syndrome. Identifiers: Orphanet 140162, MedGen C0027672, MeSH D009386, MONDO:0015356.
Retinoblastoma (RB1). Also called: RETINOBLASTOMA, SOMATIC. Identifiers: Orphanet 790, MedGen C0035335, MeSH D012175, MONDO:0008380, OMIM 180200, HP:0009919. Disease mechanism: loss of function. Inheritance: Both sporadic and heritable forms are tested..

Submissions (3):

Color Diagnostics, LLC DBA Color Health
Classification: Likely pathogenic for Retinoblastoma. Last evaluated: 2025-07-29. Review status: criteria provided, single submitter. Criteria: ACMG Guidelines, 2015. Collection method: clinical testing. Allele origin: germline.
Comment: This variant results in the loss of the translation initiator methionine at codon 1 of the RB1 protein. The next in-frame methionine occurs at codon 113 and may serve as an alternative translation start site. Loss of these 113 N-terminal amino acids may impact the Rb-N terminal domain, but the functional consequence of this is not well established. To our knowledge, functional studies have not been reported for this variant. This variant has been reported in individuals affected with unilateral retinoblastoma (PMID: 21520333LOVD: RB1_01443). Another RB1 variant disrupting the initiator codon (c.3G>C) has been observed in 2 members of a family affected with unilateral retinoblastoma, but also in 4 unaffected members, suggesting that initiator codon mutations in RB1 may exhibit reduced penetrance (PMID: 21520333LOVD: RB1_01455). This variant has not been identified in the general population by the Genome Aggregation Database (gnomAD). Based on the available evidence, this variant is classified as Likely Pathogenic. This variant may be hypomorphic and may display reduced penetrance relative to typical pathogenic RB1 variants.

Ambry Genetics
Classification: Likely pathogenic for Hereditary cancer-predisposing syndrome. Last evaluated: 2025-01-08. Review status: criteria provided, single submitter. Criteria: Ambry Variant Classification Scheme 2023. Collection method: clinical testing. Allele origin: germline.
Comment: The p.M1? variant (also known as c.1A>G) is located in coding exon 1 of the RB1 gene and results from a A to G substitution at nucleotide position 1. This alters the methionine residue at the initiation codon (ATG). This variant has been reported in one at least one individual with features consistent with retinoblastoma (Ambry internal data). This variant is considered to be rare based on population cohorts in the Genome Aggregation Database (gnomAD). This amino acid position is highly conserved in available vertebrate species. Sequence variations that modify the initiation codon are expected to result in either loss of translation initiation, N-terminal truncation, or cause a shift in the mRNA reading frame. Based on the majority of available evidence to date, this variant is likely to be pathogenic.

GeneDx
Classification: Likely pathogenic. Last evaluated: 2024-11-18. Review status: criteria provided, single submitter. Criteria: GeneDx Variant Classification Process June 2021. Collection method: clinical testing. Allele origin: germline. Affected: yes.
Comment: Initiation codon variant in a gene for which loss of function is a known mechanism of disease; Not observed at significant frequency in large population cohorts (gnomAD); Has not been previously published as pathogenic or benign to our knowledge

Literature cited by the submitters: PubMed 21520333 (cited by Color Diagnostics, LLC DBA Color Health).